The following is an entry in ClinVar:

ClinVar aggregate classification (germline): Uncertain significance (1 of 4 stars; one submission).

Conditions:
Neuropathy, hereditary sensory, type 1F. Also called: HSN IF; Hereditary sensory neuropathy type IF. Identifiers: Orphanet 36386, MedGen C3810194, MONDO:0014286, OMIM 615632.

gnomAD v4.1: 8 of 1,611,664 alleles (0.0005%); highest among the groups gnomAD compares: Admixed American, 0.013%; no homozygotes.

Submission:

Labcorp Genetics (formerly Invitae), Labcorp
Classification: Uncertain significance for Neuropathy, hereditary sensory, type 1F. Last evaluated: 2021-12-23. Review status: criteria provided, single submitter. Criteria: Invitae Variant Classification Sherloc (09022015). Collection method: clinical testing. Allele origin: germline.
Comment: In summary, the available evidence is currently insufficient to determine the role of this variant in disease. Therefore, it has been classified as a Variant of Uncertain Significance. Algorithms developed to predict the effect of missense changes on protein structure and function are either unavailable or do not agree on the potential impact of this missense change (SIFT: "Tolerated"; PolyPhen-2: "Possibly Damaging"; Align-GVGD: "Class C0"). ClinVar contains an entry for this variant (Variation ID: 952299). This variant has not been reported in the literature in individuals affected with ATL3-related conditions. This variant is not present in population databases (gnomAD no frequency). This sequence change replaces proline, which is neutral and non-polar, with threonine, which is neutral and polar, at codon 380 of the ATL3 protein (p.Pro380Thr).

NM_015459.5(ATL3):c.1138C>A (p.Pro380Thr)

Genes: ATL3 (atlastin GTPase 3; minus strand), LNCROPM (lncRNA regulator of PLAAT3 mediated phospholipid metabolism; plus strand), LOC126861231 (CDK7 strongly-dependent group 2 enhancer GRCh37_chr11:63398741-63399940; plus strand). Cytogenetic location: 11q13.1.
Variant type: single nucleotide variant.
Coding change: c.1138C>A on transcript NM_015459.5 (MANE Select); coding-DNA position 1138, C replaced by A.
Protein change: p.Pro380Thr; replaces proline 380 with threonine.
Molecular consequence: missense variant.
Genome position (GRCh38, 1-based): chr11:63,631,441, G>T on the plus strand (C>A on the coding strand, the complement: ATL3 is on the minus strand). VCF-style: chr11-63631441-G-T. GRCh37 (hg19) VCF-style: chr11-63398913-G-T.
Other names: c.1084C>A, p.Pro362Thr (NM_001290048.2); short protein forms P362T, P380T.
Identifiers: ClinVar variation 952299 (VCV000952299.10), dbSNP rs745644667, ClinGen allele CA223740883.